The following is an entry in ClinVar:

ClinVar aggregate classification (germline): Benign/Likely benign. Review status: criteria provided, multiple submitters, no conflicts (2 of 4 stars). 4 submissions from 4 submitters: Benign (1); Likely benign (3). Last evaluated 2026-01-26.

Conditions:
Cardiomyopathy (CMYO). Also called: Cardiomyopathies. Identifiers: Orphanet 167848, MedGen C0878544, MONDO:0004994, HP:0001638. Inheritance: Various modes of inheritance.
Arrhythmogenic cardiomyopathy with wooly hair and keratoderma. Also called: PALMOPLANTAR KERATODERMA WITH LEFT VENTRICULAR CARDIOMYOPATHY AND WOOLLY HAIR; Carvajal syndrome; Dilated cardiomyopathy with woolly hair and keratoderma; Arrhythmogenic cardiomyopathy with woolly hair and keratoderma. Identifiers: Orphanet 65282, MedGen C1854063, MONDO:0011581, OMIM 605676.
Cardiovascular phenotype. Identifiers: MedGen CN230736.
Arrhythmogenic right ventricular dysplasia 8 (ARVD8). Also called: Arrhythmogenic Right Ventricular Dysplasia/Cardiomyopathy 8; ARRHYTHMOGENIC RIGHT VENTRICULAR DYSPLASIA, FAMILIAL, 8; ARRHYTHMOGENIC RIGHT VENTRICULAR CARDIOMYOPATHY 8. Identifiers: MedGen C1843896, MONDO:0011831, OMIM 607450.

Allele frequency attached by ClinVar (database versions not stated): ExAC 0.00001; gnomAD exomes 0.00001; gnomAD 0.00002; TOPMed 0.00008.
gnomAD v4.1: 13 of 1,613,896 alleles (0.00081%); highest among the groups gnomAD compares: African/African-American, 0.015%; no homozygotes.

Submissions (4):

Labcorp Genetics (formerly Invitae), Labcorp
Classification: Benign for Arrhythmogenic cardiomyopathy with wooly hair and keratoderma; Arrhythmogenic right ventricular dysplasia 8. Last evaluated: 2026-01-26. Review status: criteria provided, single submitter. Criteria: Invitae Variant Classification Sherloc (09022015). Collection method: clinical testing. Allele origin: germline.

All of Us Research Program, National Institutes of Health
Classification: Likely benign for Arrhythmogenic cardiomyopathy with wooly hair and keratoderma. Last evaluated: 2024-01-11. Review status: criteria provided, single submitter. Criteria: ACMG Guidelines, 2015. Collection method: clinical testing. Allele origin: germline. Inheritance: Autosomal dominant inheritance. Observed: 5 variant alleles, 5 heterozygotes.
Comment: This study involves interpretation of variants in research participants for the purpose of population health screening. Participant phenotype was not available at the time of variant classification. Additional details can be found in publication PMID: 35346344, PMCID: PMC8962531

Ambry Genetics
Classification: Likely benign for Cardiovascular phenotype. Last evaluated: 2023-03-10. Review status: criteria provided, single submitter. Criteria: Ambry Variant Classification Scheme 2023. Collection method: clinical testing. Allele origin: germline.

Color Diagnostics, LLC DBA Color Health
Classification: Likely benign for Cardiomyopathy. Last evaluated: 2019-11-07. Review status: criteria provided, single submitter. Criteria: ACMG Guidelines, 2015. Collection method: clinical testing. Allele origin: germline.

NM_004415.4(DSP):c.4767C>T (p.Cys1589=)

Gene: DSP (desmoplakin; plus strand). Cytogenetic location: 6p24.3.
Variant type: single nucleotide variant.
Coding change: c.4767C>T on transcript NM_004415.4 (MANE Select); coding-DNA position 4767, C replaced by T.
Protein change: p.Cys1589=; no amino-acid change (cysteine 1589 retained).
Molecular consequence: synonymous variant. On other transcripts: intron variant (2).
Genome position (GRCh38, 1-based): chr6:7,580,957, C>T. VCF-style: chr6-7580957-C-T. GRCh37 (hg19) VCF-style: chr6-7581190-C-T.
Other names: c.4050+717C>T (NM_001319034.2); c.3582+1185C>T (NM_001008844.3).
Identifiers: ClinVar variation 923905 (VCV000923905.12), dbSNP rs763203149, ClinGen allele CA042789.
Genomic context (GRCh38, chr6:7,580,957, plus strand): 5'-GAAGCAGAAGGTGGAAGAGGAGCTGAATCGGCTGAAGAGGACCGCGTCAGAAGACTCCTG[C>T]AAGAGGAAGAAGCTGGAGGAAGAGCTGGAAGGCATGAGGAGGTCGCTGAAGGAGCAAGCC-3'
Protein context (NP_004406.2, residues 1579-1599): RLKRTASEDS[Cys1589=]KRKKLEEELE